The following is an entry in ClinVar:

ClinVar aggregate classification (germline): Conflicting classifications of pathogenicity. Review status: criteria provided, conflicting classifications (1 of 4 stars). 5 submissions from 5 submitters: Likely pathogenic (1); Uncertain significance (4). Last evaluated 2025-08-15.

Conditions:
Hereditary cancer-predisposing syndrome. Also called: Tumor predisposition; Neoplastic Syndromes, Hereditary; Hereditary neoplastic syndrome; Hereditary Cancer Syndrome. Identifiers: Orphanet 140162, MedGen C0027672, MeSH D009386, MONDO:0015356.
Familial adenomatous polyposis 2. Also called: MYH-associated polyposis; FAP type 2; COLORECTAL ADENOMATOUS POLYPOSIS, AUTOSOMAL RECESSIVE; ADENOMAS, MULTIPLE COLORECTAL, AUTOSOMAL RECESSIVE; MUTYH-related attenuated familial adenomatous polyposis; MUTYH Polyposis. Identifiers: Orphanet 220460, Orphanet 247798, MedGen C3272841, MONDO:0012041, OMIM 608456.

Allele frequency attached by ClinVar (database versions not stated): gnomAD exomes below 0.00001.

Submissions (5):

Ambry Genetics
Classification: Likely pathogenic for Hereditary cancer-predisposing syndrome. Last evaluated: 2025-08-15. Review status: criteria provided, single submitter. Criteria: Ambry Variant Classification Scheme 2023. Collection method: clinical testing. Allele origin: germline.
Comment: The p.W152R variant (also known as c.454T>A), located in coding exon 5 of the MUTYH gene, results from a T to A substitution at nucleotide position 454. The tryptophan at codon 152 is replaced by arginine, an amino acid with dissimilar properties. In a massively parallel cell-based functional assay testing 7,8-dihydro-8-oxoguanine:adenine (8OG:A) repair activity, a byproduct of oxidative damage, this variant was reported to be non-functional (Hemker SL et al. Am J Hum Genet. Published online July 29, 2025. DOI: 10.1016/j.ajhg.2025.07.005). This amino acid position is highly conserved in available vertebrate species. In addition, this alteration is predicted to be deleterious by in silico analysis. This variant is considered to be rare based on population cohorts in the Genome Aggregation Database (gnomAD). Based on the majority of available evidence to date, this variant is likely to be pathogenic.

Quest Diagnostics Nichols Institute San Juan Capistrano
Classification: Uncertain significance. Last evaluated: 2025-06-03. Review status: criteria provided, single submitter. Criteria: Quest Diagnostics criteria. Collection method: clinical testing. Allele origin: unknown.
Comment: The MUTYH c.454T>A (p.Trp152Arg) variant has not been reported in individuals with MUTYH-related conditions in the published literature. The frequency of this variant in the general population (Genome Aggregation Database) is uninformative in the assessment of its pathogenicity. Analysis of this variant using bioinformatics tools for the prediction of the effect of amino acid changes on protein structure and function yielded predictions that this variant is damaging. Based on the available information, we are unable to determine the clinical significance of this variant.

Labcorp Genetics (formerly Invitae), Labcorp
Classification: Uncertain significance for Familial adenomatous polyposis 2. Last evaluated: 2024-09-15. Review status: criteria provided, single submitter. Criteria: Invitae Variant Classification Sherloc (09022015). Collection method: clinical testing. Allele origin: germline.
Comment: This sequence change replaces tryptophan, which is neutral and slightly polar, with arginine, which is basic and polar, at codon 152 of the MUTYH protein (p.Trp152Arg). This variant is present in population databases (no rsID available, gnomAD 0.0009%). This variant has not been reported in the literature in individuals affected with MUTYH-related conditions. ClinVar contains an entry for this variant (Variation ID: 568983). An algorithm developed to predict the effect of missense changes on protein structure and function (PolyPhen-2) suggests that this variant is likely to be disruptive. In summary, the available evidence is currently insufficient to determine the role of this variant in disease. Therefore, it has been classified as a Variant of Uncertain Significance.

Color Diagnostics, LLC DBA Color Health
Classification: Uncertain significance for Hereditary cancer-predisposing syndrome. Last evaluated: 2024-03-06. Review status: criteria provided, single submitter. Criteria: ACMG Guidelines, 2015. Collection method: clinical testing. Allele origin: germline.
Comment: This missense variant replaces tryptophan with arginine at codon 152 of the MUTYH protein. Computational prediction suggests that this variant may have deleterious impact on protein structure and function (internally defined REVEL score threshold >= 0.7, PMID: 27666373). To our knowledge, functional studies have not been reported for this variant. This variant has not been reported in individuals affected with hereditary cancer in the literature. This variant has been identified in 1/251484 chromosomes in the general population by the Genome Aggregation Database (gnomAD). The available evidence is insufficient to determine the role of this variant in disease conclusively. Therefore, this variant is classified as a Variant of Uncertain Significance.

Baylor Genetics
Classification: Uncertain significance for Familial adenomatous polyposis 2. Last evaluated: 2023-07-05. Review status: criteria provided, single submitter. Criteria: ACMG Guidelines, 2015. Collection method: clinical testing. Allele origin: unknown.

Literature cited by the submitters: PubMed 40738107 (cited by Ambry Genetics).

NM_001048174.2(MUTYH):c.370T>A (p.Trp124Arg)

Gene: MUTYH (mutY DNA glycosylase; minus strand). Cytogenetic location: 1p34.1.
Variant type: single nucleotide variant.
Coding change: c.370T>A on transcript NM_001048174.2 (MANE Select); coding-DNA position 370, T replaced by A.
Protein change: p.Trp124Arg; replaces tryptophan 124 with arginine.
Molecular consequence: missense variant. On other transcripts: non-coding transcript variant (1), intron variant (2).
Genome position (GRCh38, 1-based): chr1:45,333,105, A>T on the plus strand (T>A on the coding strand, the complement: MUTYH is on the minus strand). VCF-style: chr1-45333105-A-T. GRCh37 (hg19) VCF-style: chr1-45798777-A-T.
Other names: c.370T>A, p.Trp124Arg (NM_001048171.2, NM_001048173.2, NM_001293195.2); c.373T>A, p.Trp125Arg (NM_001048172.2); c.454T>A, p.Trp152Arg (NM_001128425.2); c.415T>A, p.Trp139Arg (NM_001293190.2); c.403T>A, p.Trp135Arg (NM_001293191.2); c.94T>A, p.Trp32Arg (NM_001293192.2, NM_001293196.2); c.445T>A, p.Trp149Arg (NM_012222.3); c.34-146T>A (NM_001350651.2, NM_001350650.2); short protein forms W152R, W139R, W32R, W125R, W149R, W135R, W124R.
Identifiers: ClinVar variation 568983 (VCV000568983.19), dbSNP rs1261588058, ClinGen allele CA340136082.